The following is an entry in ClinVar:

ClinVar aggregate classification (germline): Uncertain significance. Review status: criteria provided, multiple submitters, no conflicts (2 of 4 stars). 2 submissions from 2 submitters: Uncertain significance (2). Last evaluated 2025-01-27.

Conditions:
Inborn genetic diseases. Identifiers: MedGen C0950123, MeSH D030342.

Allele frequency attached by ClinVar (database versions not stated): ExAC 0.00001; gnomAD exomes 0.00001 and 0.00002.
gnomAD v4.1: 26 of 1,614,248 alleles (0.0016%); highest among the groups gnomAD compares: Non-Finnish European, 0.0022%; no homozygotes.

Submissions (2):

Ambry Genetics
Classification: Uncertain significance for Inborn genetic diseases. Last evaluated: 2025-01-27. Review status: criteria provided, single submitter. Criteria: Ambry Variant Classification Scheme 2023. Collection method: clinical testing. Allele origin: germline.

Labcorp Genetics (formerly Invitae), Labcorp
Classification: Uncertain significance. Last evaluated: 2020-02-04. Review status: criteria provided, single submitter. Criteria: Invitae Variant Classification Sherloc (09022015). Collection method: clinical testing. Allele origin: germline.
Comment: In summary, the available evidence is currently insufficient to determine the role of this variant in disease. Therefore, it has been classified as a Variant of Uncertain Significance. Algorithms developed to predict the effect of missense changes on protein structure and function are either unavailable or do not agree on the potential impact of this missense change (SIFT: "Deleterious"; PolyPhen-2: "Not Available"; Align-GVGD: "Class C55"). This variant has not been reported in the literature in individuals with PDZD7-related conditions. This variant is present in population databases (rs754203607, ExAC 0.001%). This sequence change replaces alanine with threonine at codon 122 of the PDZD7 protein (p.Ala122Thr). The alanine residue is highly conserved and there is a small physicochemical difference between alanine and threonine.

NM_001195263.2(PDZD7):c.364G>A (p.Ala122Thr)

Gene: PDZD7 (PDZ domain containing 7; minus strand). Cytogenetic location: 10q24.31.
Variant type: single nucleotide variant.
Coding change: c.364G>A on transcript NM_001195263.2 (MANE Select); coding-DNA position 364, G replaced by A.
Protein change: p.Ala122Thr; replaces alanine 122 with threonine.
Molecular consequence: missense variant.
Genome position (GRCh38, 1-based): chr10:101,023,931, C>T on the plus strand (G>A on the coding strand, the complement: PDZD7 is on the minus strand). VCF-style: chr10-101023931-C-T. GRCh37 (hg19) VCF-style: chr10-102783688-C-T.
Other names: c.364G>A, p.Ala122Thr (NM_001351044.2, NM_024895.5); c.364G>A (NM_001195263.1); short protein forms A122T.
Identifiers: ClinVar variation 1043393 (VCV001043393.10), dbSNP rs754203607, ClinGen allele CA5654435.